The following is an entry in ClinVar:

NM_000140.5(FECH):c.913-2A>G

Gene: FECH (ferrochelatase; minus strand). Cytogenetic location: 18q21.31.
Variant type: single nucleotide variant.
Coding change: c.913-2A>G on transcript NM_000140.5 (MANE Select); the canonical splice acceptor site of the intron before coding-DNA position 913, A replaced by G.
Molecular consequence: splice acceptor variant.
Genome position (GRCh38, 1-based): chr18:57,554,426, T>C on the plus strand (A>G on the coding strand, the complement: FECH is on the minus strand). VCF-style: chr18-57554426-T-C. GRCh37 (hg19) VCF-style: chr18-55221658-T-C.
Other names: c.814-2A>G (NM_001371094.1); c.913-2A>G (NM_001374778.1); c.931-2A>G (NM_001012515.4); c.697-2A>G (NM_001371095.1).
Identifiers: ClinVar variation 2138159 (VCV002138159.6), dbSNP rs2511517710, ClinGen allele CA402540990.

ClinVar aggregate classification (germline): Likely pathogenic. Review status: criteria provided, multiple submitters, no conflicts (2 of 4 stars). 2 submissions from 2 submitters: Likely pathogenic (2). Last evaluated 2022-05-28.

Submissions (2):

Labcorp Genetics (formerly Invitae), Labcorp
Classification: Likely pathogenic. Last evaluated: 2022-05-28. Review status: criteria provided, single submitter. Criteria: Invitae Variant Classification Sherloc (09022015). Collection method: clinical testing. Allele origin: germline.
Comment: This sequence change affects an acceptor splice site in intron 8 of the FECH gene. RNA analysis indicates that disruption of this splice site induces altered splicing and likely results in a shortened protein product. This variant is not present in population databases (gnomAD no frequency). Studies have shown that disruption of this splice site results in skipping of exon 9, but is expected to preserve the integrity of the reading-frame (PMID: 9585598). Disruption of this splice site has been observed in individual(s) with FECH-related conditions (Invitae). This variant is also known as IVS8-2, a>g. Algorithms developed to predict the effect of variants on protein structure and function are not available or were not evaluated for this variant. Experimental studies have shown that disruption of this splice site affects FECH function (PMID: 9585598). In summary, the currently available evidence indicates that the variant is pathogenic, but additional data are needed to prove that conclusively. Therefore, this variant has been classified as Likely Pathogenic.

Mayo Clinic Laboratories, Mayo Clinic
Classification: Likely pathogenic. Last evaluated: 2021-05-28. Review status: criteria provided, single submitter. Criteria: ACMG Guidelines, 2015. Collection method: clinical testing. Allele origin: germline.
Comment: PVS1, PM2

Literature cited by the submitters: PubMed 9585598 (cited by Labcorp Genetics (formerly Invitae), Labcorp and Mayo Clinic Laboratories, Mayo Clinic); PubMed 11039124 (cited by Mayo Clinic Laboratories, Mayo Clinic); PubMed 25525159 (cited by Mayo Clinic Laboratories, Mayo Clinic).